The following is an entry in ClinVar:

NM_033305.3(VPS13A):c.9322G>T (p.Glu3108Ter)

Gene: VPS13A (vacuolar protein sorting 13 homolog A; plus strand). Cytogenetic location: 9q21.2.
Variant type: single nucleotide variant.
Coding change: c.9322G>T on transcript NM_033305.3 (MANE Select); coding-DNA position 9322, G replaced by T.
Protein change: p.Glu3108Ter; replaces glutamic acid 3108 with a stop codon.
Molecular consequence: nonsense.
Genome position (GRCh38, 1-based): chr9:77,405,910, G>T. VCF-style: chr9-77405910-G-T. GRCh37 (hg19) VCF-style: chr9-80020826-G-T.
Other names: c.9205G>T, p.Glu3069Ter (NM_001018037.2); short protein forms E3069*, E3108*.
Identifiers: ClinVar variation 4062927 (VCV004062927.2).

ClinVar aggregate classification (germline): Likely pathogenic (1 of 4 stars; one submission).

Conditions:
VPS13A-related neurodegenerative disease. Also called: LEVINE-CRITCHLEY SYNDROME; Choreoacanthocytosis; Chorea-acanthocytosis; VPS13A Disease; Choreaacanthocytosis; ACANTHOCYTOSIS WITH NEUROLOGIC DISORDER. Identifiers: Orphanet 2388, MedGen C0393576, MONDO:0008695, OMIM 200150.

Submission:

Natera, Inc.
Classification: Likely pathogenic for Choreaacanthocytosis. Last evaluated: 2025-05-01. Review status: criteria provided, single submitter. Criteria: Natera Variant Classification Schema (03/2026). Collection method: clinical testing. Allele origin: germline.
Comment: The c.9322G>T variant in VPS13A is a nonsense variant predicted to introduce a stop codon at amino acid 3108. This variant is expected to result in nonsense mediated decay, truncation, or a dysfunctional protein product. This variant is rare in the general population with a frequency below the threshold expected for the associated phenotype(s). Given the available evidence, this variant is classified as Likely Pathogenic.